The following is an entry in ClinVar:

ClinVar aggregate classification (germline): Uncertain significance (1 of 4 stars; one submission).

gnomAD v4.1: 2 of 1,614,144 alleles (0.00012%); highest among the groups gnomAD compares: Non-Finnish European, 0.00017%; no homozygotes.

Submission:

GeneDx
Classification: Uncertain significance. Last evaluated: 2023-11-28. Review status: criteria provided, single submitter. Criteria: GeneDx Variant Classification Process June 2021. Collection method: clinical testing. Allele origin: germline. Affected: yes.
Comment: Not observed at significant frequency in large population cohorts (gnomAD); In silico analysis supports that this missense variant does not alter protein structure/function; Has not been previously published as pathogenic or benign to our knowledge

NM_139276.3(STAT3):c.665C>T (p.Ala222Val)

Genes: STAT3 (signal transducer and activator of transcription 3; minus strand), LOC130060888 (ATAC-STARR-seq lymphoblastoid active region 12197; plus strand). Cytogenetic location: 17q21.2.
Variant type: single nucleotide variant.
Coding change: c.665C>T on transcript NM_139276.3 (MANE Select); coding-DNA position 665, C replaced by T.
Protein change: p.Ala222Val; replaces alanine 222 with valine.
Molecular consequence: missense variant.
Genome position (GRCh38, 1-based): chr17:42,337,567, G>A on the plus strand (C>T on the coding strand, the complement: STAT3 is on the minus strand). VCF-style: chr17-42337567-G-A. GRCh37 (hg19) VCF-style: chr17-40489585-G-A.
Other names: c.665C>T, p.Ala222Val (NM_001369512.1, NM_001369513.1, NM_001369514.1 and 15 more transcripts); c.587C>T, p.Ala196Val (NM_001384985.1); c.569C>T, p.Ala190Val (NM_001384989.1); short protein forms A190V, A196V, A222V.
Identifiers: ClinVar variation 3364962 (VCV003364962.1).